The following is an entry in ClinVar:

NM_005732.4(RAD50):c.3618+4G>A

Genes: TH2-LCR (Th2 cytokine locus control region; plus strand), RAD50 (RAD50 double strand break repair protein; plus strand), TH2LCRR (T helper type 2 locus control region associated RNA; minus strand). Cytogenetic location: 5q31.1.
Variant type: single nucleotide variant.
Coding change: c.3618+4G>A on transcript NM_005732.4 (MANE Select); 4 bases into the intron after coding-DNA position 3618, G replaced by A.
Molecular consequence: intron variant. On other transcripts: non-coding transcript variant (3).
Genome position (GRCh38, 1-based): chr5:132,638,227, G>A. VCF-style: chr5-132638227-G-A. GRCh37 (hg19) VCF-style: chr5-131973919-G-A.
Identifiers: ClinVar variation 457459 (VCV000457459.11), dbSNP rs753872604, ClinGen allele CA446353489.

ClinVar aggregate classification (germline): Uncertain significance (1 of 4 stars; one submission).

Conditions:
Hereditary cancer-predisposing syndrome. Also called: Neoplastic Syndromes, Hereditary; Tumor predisposition; Hereditary Cancer Syndrome; Hereditary neoplastic syndrome. Identifiers: Orphanet 140162, MedGen C0027672, MeSH D009386, MONDO:0015356.

Submission:

Labcorp Genetics (formerly Invitae), Labcorp
Classification: Uncertain significance for Hereditary cancer-predisposing syndrome. Last evaluated: 2023-04-23. Review status: criteria provided, single submitter. Criteria: Invitae Variant Classification Sherloc (09022015). Collection method: clinical testing. Allele origin: germline.
Comment: This sequence change falls in intron 23 of the RAD50 gene. It does not directly change the encoded amino acid sequence of the RAD50 protein. It affects a nucleotide within the consensus splice site. This variant is not present in population databases (gnomAD no frequency). In summary, the available evidence is currently insufficient to determine the role of this variant in disease. Therefore, it has been classified as a Variant of Uncertain Significance. Variants that disrupt the consensus splice site are a relatively common cause of aberrant splicing (PMID: 17576681, 9536098). Algorithms developed to predict the effect of sequence changes on RNA splicing suggest that this variant may disrupt the consensus splice site. ClinVar contains an entry for this variant (Variation ID: 457459). This variant has not been reported in the literature in individuals affected with RAD50-related conditions.

Literature cited by the submitters: PubMed 17576681; PubMed 9536098.